The following is an entry in ClinVar:

NM_003322.6(TULP1):c.1290G>A (p.Ala430=)

Gene: TULP1 (TUB like protein 1; minus strand). Cytogenetic location: 6p21.31.
Variant type: single nucleotide variant.
Coding change: c.1290G>A on transcript NM_003322.6 (MANE Select); coding-DNA position 1290, G replaced by A.
Protein change: p.Ala430=; no amino-acid change (alanine 430 retained).
Molecular consequence: synonymous variant.
Genome position (GRCh38, 1-based): chr6:35,503,592, C>T on the plus strand (G>A on the coding strand, the complement: TULP1 is on the minus strand). VCF-style: chr6-35503592-C-T. GRCh37 (hg19) VCF-style: chr6-35471369-C-T.
Other names: c.1131G>A, p.Ala377= (NM_001289395.2); c.1290G>A (NM_003322.5).
Identifiers: ClinVar variation 1550223 (VCV001550223.11), dbSNP rs146287182, ClinGen allele CA3772606.

ClinVar aggregate classification (germline): Conflicting classifications of pathogenicity. Review status: criteria provided, conflicting classifications (1 of 4 stars). 4 submissions from 4 submitters: Uncertain significance (1); Likely benign (3). Last evaluated 2026-05-26.

Conditions:
TULP1-related disorder. Also called: TULP1-related condition; TULP1-related disorders.
Retinal dystrophy. Also called: Inherited retinal dystrophy. Identifiers: Orphanet 71862, MedGen C0854723, MeSH D058499, MONDO:0019118, HP:0000556.

Allele frequency attached by ClinVar (database versions not stated): gnomAD exomes 0.00003 and 0.00009; TOPMed 0.00003; gnomAD 0.00004 and 0.00005; ESP Exome Variant Server 0.00008; ExAC 0.00019; 1000 Genomes Project 0.00020; 1000 Genomes Project 30x 0.00031.
gnomAD v4.1: 53 of 1,590,884 alleles (0.0033%); highest among the groups gnomAD compares: South Asian, 0.029%; 2 homozygotes.

Submissions (4):

PreventionGenetics, part of Exact Sciences
Classification: Likely benign for TULP1-related condition. Last evaluated: 2026-05-26. Review status: criteria provided, single submitter. Criteria: ACMG Guidelines, 2015. Collection method: clinical testing. Allele origin: germline.
Comment: This variant is classified as likely benign based on ACMG/AMP sequence variant interpretation guidelines (Richards et al. 2015 PMID: 25741868, with internal and published modifications).

Labcorp Genetics (formerly Invitae), Labcorp
Classification: Likely benign. Last evaluated: 2026-01-28. Review status: criteria provided, single submitter. Criteria: Invitae Variant Classification Sherloc (09022015). Collection method: clinical testing. Allele origin: germline.

Blueprint Genetics
Classification: Likely benign. Last evaluated: 2024-10-30. Review status: criteria provided, single submitter. Criteria: ACMG Guidelines, 2015. Collection method: clinical testing. Allele origin: germline.

Dept Of Ophthalmology, Nagoya University
Classification: Uncertain significance for Retinal dystrophy. Last evaluated: 2023-10-01. Review status: criteria provided, single submitter. Criteria: Submitter's publication. Collection method: research. Allele origin: germline. Affected: yes.